The following is an entry in ClinVar:

NM_001283009.2(RTEL1):c.958+2dup

Genes: RTEL1 (regulator of telomere elongation helicase 1; plus strand), RTEL1-TNFRSF6B (RTEL1-TNFRSF6B readthrough (NMD candidate); plus strand). Cytogenetic location: 20q13.33.
Variant type: Duplication.
Coding change: c.958+2dup on transcript NM_001283009.2 (MANE Select); the canonical splice donor site of the intron after coding-DNA position 958, one base duplicated (T; older notation c.958+2dupT).
Molecular consequence: splice donor variant.
Genome position (GRCh38, 1-based): chr20:63,678,185, T duplicated. VCF-style (leftmost placement, unchanged base first): chr20-63678184-G-GT. GRCh37 (hg19) VCF-style: chr20-62309537-G-GT.
Other names: c.289+2dup (NM_001283010.1); c.1030+2dup (NM_032957.5); c.958+2dup (NM_016434.4).
Identifiers: ClinVar variation 217517 (VCV000217517.3), dbSNP rs869312855, ClinGen allele CA277775.

ClinVar aggregate classification (germline): Pathogenic/Likely pathogenic. Review status: criteria provided, multiple submitters, no conflicts (2 of 4 stars). 3 submissions from 3 submitters: Pathogenic (2); Likely pathogenic (1). Last evaluated 2025-07-02.

Conditions:
Interstitial lung disease 2 (ILD2). Also called: Familial idiopathic pulmonary fibrosis; FIBROCYSTIC PULMONARY DYSPLASIA; FIBROSING ALVEOLITIS, CRYPTOGENIC. Identifiers: Orphanet 2032, Orphanet 79126, MedGen C5561926, MONDO:0800497, OMIM 178500, MONDO:0800029.

Allele frequency attached by ClinVar (database versions not stated): gnomAD exomes below 0.00001; TOPMed 0.00001.

Submissions (3):

GeneDx
Classification: Likely pathogenic. Last evaluated: 2025-07-02. Review status: criteria provided, single submitter. Criteria: GeneDx Variant Classification Process June 2021. Collection method: clinical testing. Allele origin: germline. Affected: yes.
Comment: Intronic variant predicted to impact a +5 splice site in a gene for which loss of function is a known mechanism of disease, and both splice predictors and evolutionary conservation support a deleterious effect, although in the absence of functional evidence the actual effect of this sequence change is unknown; Not observed at significant frequency in large population cohorts (gnomAD); Also known as c.958IVS+1G>GT and c.1030IVS+1G>GT; This variant is associated with the following publications: (PMID: 25607374)

Mayo Clinic Laboratories, Mayo Clinic
Classification: Pathogenic. Last evaluated: 2024-05-31. Review status: criteria provided, single submitter. Criteria: ACMG Guidelines, 2015. Collection method: clinical testing. Allele origin: germline. Observed: 1 variant allele.
Comment: PP1_strong, PM2, PVS1_strong

University of Washington Center for Mendelian Genomics, University of Washington
Classification: Pathogenic for Interstitial lung disease 2. Last evaluated: 2015-05-19. Review status: criteria provided, single submitter. Criteria: Submitter's publication. Collection method: research. Allele origin: inherited. Affected: yes.

Literature cited by the submitters: PubMed 25607374 (cited by Mayo Clinic Laboratories, Mayo Clinic).